The following is an entry in ClinVar:

ClinVar aggregate classification (germline): Uncertain significance (1 of 4 stars; one submission).

Conditions:
Inborn genetic diseases. Identifiers: MedGen C0950123, MeSH D030342.

Submission:

Ambry Genetics
Classification: Uncertain significance for Inborn genetic diseases. Last evaluated: 2017-07-10. Review status: criteria provided, single submitter. Criteria: Ambry Variant Classification Scheme 2023. Collection method: clinical testing. Allele origin: germline.
Comment: The c.3016-5G>T intronic variant results from a G to T substitution 5 nucleotides upstream from coding exon 12 in the DYNC1H1 gene. This nucleotide position is poorly conserved in available vertebrate species. Using the BDGP and ESEfinder splice site prediction tools, this alteration is not predicted to have any significant effect on this splice acceptor/donor site; however, direct evidence is unavailable. Since supporting evidence is limited at this time, the clinical significance of this alteration remains unclear.

NM_001376.5(DYNC1H1):c.3016-5G>T

Gene: DYNC1H1 (dynein cytoplasmic 1 heavy chain 1; plus strand). Cytogenetic location: 14q32.31.
Variant type: single nucleotide variant.
Coding change: c.3016-5G>T on transcript NM_001376.5 (MANE Select); 5 bases into the intron before coding-DNA position 3016, G replaced by T.
Molecular consequence: intron variant.
Genome position (GRCh38, 1-based): chr14:101,994,179, G>T. VCF-style: chr14-101994179-G-T. GRCh37 (hg19) VCF-style: chr14-102460516-G-T.
Identifiers: ClinVar variation 1798853 (VCV001798853.2), dbSNP rs2503713113, ClinGen allele CA2580088380.